The following is an entry in ClinVar:

ClinVar aggregate classification (germline): Conflicting classifications of pathogenicity. Review status: criteria provided, conflicting classifications (1 of 4 stars). 3 submissions from 3 submitters: Pathogenic (2); Uncertain significance (1). Last evaluated 2026-05-04.

Conditions:
Vanishing white matter disease. Also called: Childhood ataxia with diffuse central nervous system hypomyelination; Leukoencephalopathy with vanishing white matter; CACH/VWM syndrome; Cree leukoencehalopathy; CACH syndrome. Identifiers: Orphanet 135, Orphanet 99853, MedGen C1858991, MONDO:0800448.

Allele frequency attached by ClinVar (database versions not stated): gnomAD exomes 0.00001; TOPMed 0.00001; gnomAD 0.00003.

Submissions (3):

Women's Health and Genetics/Laboratory Corporation of America, LabCorp
Classification: Pathogenic for Vanishing white matter disease. Last evaluated: 2026-05-04. Review status: criteria provided, single submitter. Criteria: LabCorp Variant Classification Summary - May 2015. Collection method: clinical testing. Allele origin: germline.
Comment: Variant summary: EIF2B2 c.932_933delCT (p.Pro311ArgfsX3) results in a premature termination codon in the last exon, predicted to cause a truncation of the encoded protein, however, nonsense mediated decay is not expected to occur. The variant allele was found at a frequency of 1.2e-05 in 251472 control chromosomes. To our knowledge, no occurrence of c.932_933delCT in individuals affected with EIF2B2-related conditions and no experimental evidence demonstrating its impact on protein function have been reported. At least one downstream variant has been classified as Pathogenic/Likely Pathogenic (c.947T>A, p.Val316Asp), providing evidence that the region altered by the variant is critical to protein function. ClinVar contains an entry for this variant (Variation ID: 2875995). Based on the evidence outlined above, the variant was classified as pathogenic.

Labcorp Genetics (formerly Invitae), Labcorp
Classification: Pathogenic. Last evaluated: 2023-10-14. Review status: criteria provided, single submitter. Criteria: Invitae Variant Classification Sherloc (09022015). Collection method: clinical testing. Allele origin: germline.
Comment: This sequence change creates a premature translational stop signal (p.Pro311Argfs*3) in the EIF2B2 gene. While this is not anticipated to result in nonsense mediated decay, it is expected to disrupt the last 41 amino acid(s) of the EIF2B2 protein. This variant is present in population databases (no rsID available, gnomAD 0.01%). This variant has not been reported in the literature in individuals affected with EIF2B2-related conditions. This variant disrupts a region of the EIF2B2 protein in which other variant(s) (p.Val316Asp) have been determined to be pathogenic (PMID: 11704758, 14993275, 15060152, 33432707). This suggests that this is a clinically significant region of the protein, and that variants that disrupt it are likely to be disease-causing. For these reasons, this variant has been classified as Pathogenic.

Blueprint Genetics
Classification: Uncertain significance. Last evaluated: 2023-07-10. Review status: criteria provided, single submitter. Criteria: ACMG Guidelines, 2015. Collection method: clinical testing. Allele origin: germline.

Literature cited by the submitters: PubMed 11704758 (cited by Labcorp Genetics (formerly Invitae), Labcorp); PubMed 14993275 (cited by Labcorp Genetics (formerly Invitae), Labcorp); PubMed 15060152 (cited by Labcorp Genetics (formerly Invitae), Labcorp); PubMed 33432707 (cited by Labcorp Genetics (formerly Invitae), Labcorp).

NM_014239.4(EIF2B2):c.932_933del (p.Pro311fs)

Gene: EIF2B2 (eukaryotic translation initiation factor 2B subunit beta; plus strand). Cytogenetic location: 14q24.3.
Variant type: Deletion.
Coding change: c.932_933del on transcript NM_014239.4 (MANE Select); coding-DNA positions 932 to 933, 2 bases deleted (CT; older notation c.932_933delCT).
Protein change: p.Pro311fs; shifts the reading frame from proline 311.
Molecular consequence: frameshift variant.
Genome position (GRCh38, 1-based): chr14:75,009,064-75,009,065, CT deleted. VCF-style (leftmost placement, unchanged base first): chr14-75009063-CCT-C. GRCh37 (hg19) VCF-style: chr14-75475766-CCT-C.
Other names: c.932_933delCT (NM_014239.4); short protein forms P311fs.
Identifiers: ClinVar variation 2875995 (VCV002875995.5), dbSNP rs1160961207, ClinGen allele CA615059726.